The following is an entry in ClinVar:

NM_005475.3(SH2B3):c.796C>T (p.Leu266Phe)

Gene: SH2B3 (SH2B adaptor protein 3; plus strand). Cytogenetic location: 12q24.12.
Variant type: single nucleotide variant.
Coding change: c.796C>T on transcript NM_005475.3 (MANE Select); coding-DNA position 796, C replaced by T.
Protein change: p.Leu266Phe; replaces leucine 266 with phenylalanine.
Molecular consequence: missense variant.
Genome position (GRCh38, 1-based): chr12:111,446,816, C>T. VCF-style: chr12-111446816-C-T. GRCh37 (hg19) VCF-style: chr12-111884620-C-T.
Other names: c.190C>T, p.Leu64Phe (NM_001291424.1); short protein forms L64F, L266F.
Identifiers: ClinVar variation 4630730 (VCV004630730.1).

ClinVar aggregate classification (germline): Uncertain significance (1 of 4 stars; one submission).

Conditions:
Inborn genetic diseases. Identifiers: MedGen C0950123, MeSH D030342.

Submission:

Ambry Genetics
Classification: Uncertain significance for Inborn genetic diseases. Last evaluated: 2025-10-25. Review status: criteria provided, single submitter. Criteria: Ambry Variant Classification Scheme 2023. Collection method: clinical testing. Allele origin: germline.
Comment: The p.L266F variant (also known as c.796C>T), located in coding exon 2 of the SH2B3 gene, results from a C to T substitution at nucleotide position 796. The leucine at codon 266 is replaced by phenylalanine, an amino acid with highly similar properties. This amino acid position is conserved. In addition, this alteration is predicted to be deleterious by in silico analysis. Based on the available evidence, the clinical significance of this variant remains unclear.